The following is an entry in ClinVar:

NC_012920.1(MT-ND4):m.11090A>G

Gene: MT-ND4 (mitochondrially encoded NADH dehydrogenase 4; plus strand).
Variant type: single nucleotide variant.
Genome position: chrM-11090-A-G.
Identifiers: ClinVar variation 693341 (VCV000693341.1), dbSNP rs1603223101, ClinGen allele CA414809437.
Genomic context (GRCh38, chrMT:11,090, plus strand): 5'-CGAAAAAAACTCTACCTCTCTATACTAATCTCCCTACAAATCTCCTTAATTATAACATTC[A>G]CAGCCACAGAACTAATCATATTTTATATCTTCTTCGAAACCACACTTATCCCCACCTTGG-3'

ClinVar aggregate classification (germline): Uncertain significance (1 of 4 stars; one submission).

Conditions:
Leigh syndrome (NULS). Also called: Leigh's necrotizing encephalopathy; Leigh's disease; Leigh Syndrome (mtDNA deletion); Leigh Disease; Subacute necrotizing encephalopathy; Necrotizing encephalopathy infantile subacute of Leigh. Identifiers: Orphanet 506, MedGen C2931891, MONDO:0009723, OMIM 256000.

Submission:

Wong Mito Lab, Molecular and Human Genetics, Baylor College of Medicine
Classification: Uncertain significance for Leigh syndrome. Last evaluated: 2019-10-17. Review status: criteria provided, single submitter. Criteria: Modified ACMG Guidelines (Unpublished). Collection method: clinical testing. Allele origin: germline.
Comment: The NC_012920.1:m.11090A>G (YP_003024035.1:p.Thr111Ala) variant in MTND4 gene is interpretated to be a Uncertain Significance variant based on the modified ACMG guidelines (unpublished). This variant meets the following evidence codes: PP6, PP7, BP4